The following is an entry in ClinVar:

NM_002609.4(PDGFRB):c.2280C>T (p.Asp760=)

Gene: PDGFRB (platelet derived growth factor receptor beta; minus strand). Cytogenetic location: 5q32.
Variant type: single nucleotide variant.
Coding change: c.2280C>T on transcript NM_002609.4 (MANE Select); coding-DNA position 2280, C replaced by T.
Protein change: p.Asp760=; no amino-acid change (aspartic acid 760 retained).
Molecular consequence: synonymous variant.
Genome position (GRCh38, 1-based): chr5:150,121,944, G>A on the plus strand (C>T on the coding strand, the complement: PDGFRB is on the minus strand). VCF-style: chr5-150121944-G-A. GRCh37 (hg19) VCF-style: chr5-149501507-G-A.
Other names: c.2088C>T, p.Asp696= (NM_001355016.2); c.1797C>T, p.Asp599= (NM_001355017.2); c.2280C>T (NM_002609.3).
Identifiers: ClinVar variation 2031428 (VCV002031428.5), dbSNP rs200377656, ClinGen allele CA3507695.

ClinVar aggregate classification (germline): Benign. Review status: criteria provided, single submitter (1 of 4 stars). 2 submissions from 2 submitters: Benign (1). 1 of the submissions does not count toward it. Last evaluated 2023-07-10.

Conditions:
Infantile myofibromatosis (IMF). Also called: Congenital generalized fibromatosis. Identifiers: Orphanet 2591, MedGen C0432284, MONDO:0016824.
Skeletal overgrowth-craniofacial dysmorphism-hyperelastic skin-white matter lesions syndrome. Also called: SKELETAL OVERGROWTH WITH FACIAL DYSMORPHISM, HYPERELASTIC SKIN, WHITE MATTER LESIONS, AND NEUROLOGIC DETERIORATION; Kosaki overgrowth syndrome. Identifiers: Orphanet 477831, MedGen C4225270, MONDO:0014704, OMIM 616592.
Acroosteolysis-keloid-like lesions-premature aging syndrome. Also called: Premature aging syndrome, Penttinen type; Prematurely aged appearance, delayed bone maturation, acro-osteolysis, and brachydactyly; Progeroid syndrome, Penttinen type. Identifiers: Orphanet 363665, MedGen C1866182, MONDO:0011150, OMIM 601812.
Basal ganglia calcification, idiopathic, 4 (PFBC4). Also called: Familial Idiopathic Basal Ganglia Calcification 4; PRIMARY FAMILIAL BRAIN CALCIFICATION 4, AUTOSOMAL DOMINANT. Identifiers: Orphanet 1980, MedGen C3554321, MONDO:0014004, OMIM 615007.
PDGFRB-related disorder. Also called: PDGFRB-related condition.

Allele frequency attached by ClinVar (database versions not stated): TOPMed 0.00004; gnomAD 0.00007; gnomAD exomes 0.00005; 1000 Genomes Project 0.00040; ExAC 0.00009; 1000 Genomes Project 30x 0.00031.
gnomAD v4.1: 91 of 1,613,120 alleles (0.0056%); highest among the groups gnomAD compares: Middle Eastern, 0.05%; no homozygotes.

Submissions (2):

Labcorp Genetics (formerly Invitae), Labcorp
Classification: Benign for Basal ganglia calcification, idiopathic, 4; Skeletal overgrowth-craniofacial dysmorphism-hyperelastic skin-white matter lesions syndrome; Infantile myofibromatosis; Acroosteolysis-keloid-like lesions-premature aging syndrome. Last evaluated: 2023-07-10. Review status: criteria provided, single submitter. Criteria: Invitae Variant Classification Sherloc (09022015). Collection method: clinical testing. Allele origin: germline.

PreventionGenetics, part of Exact Sciences
Classification: Likely benign for PDGFRB-related condition. Last evaluated: 2024-09-16. Review status: no assertion criteria provided. Collection method: clinical testing. Allele origin: germline. Not counted in ClinVar's aggregate classification.
Comment: This variant is classified as likely benign based on ACMG/AMP sequence variant interpretation guidelines (Richards et al. 2015 PMID: 25741868, with internal and published modifications).